The following is an entry in ClinVar:

ClinVar aggregate classification (germline): Benign. Review status: criteria provided, multiple submitters, no conflicts (2 of 4 stars). 8 submissions from 8 submitters: Benign (7). 1 of the submissions does not count toward it. Last evaluated 2026-02-04.

Conditions:
Methylmalonic acidemia with homocystinuria, type cblX (MAHCX). Also called: INTELLECTUAL DEVELOPMENTAL DISORDER, X-LINKED 3. Identifiers: Orphanet 369962, MedGen C0796208, MONDO:0010657, OMIM 309541.

Allele frequency attached by ClinVar (database versions not stated): TOPMed 0.23044; 1000 Genomes Project 0.40318; ESP Exome Variant Server 0.15127; gnomAD 0.21102 and 0.19260; 1000 Genomes Project 30x 0.39438; ExAC 0.31726; gnomAD exomes 0.32765.
gnomAD v4.1: 264,780 of 1,205,918 alleles (22%); highest among the groups gnomAD compares: East Asian, 75%; 27,269 homozygotes.

Submissions (8):

Labcorp Genetics (formerly Invitae), Labcorp
Classification: Benign for Methylmalonic acidemia with homocystinuria, type cblX. Last evaluated: 2026-02-04. Review status: criteria provided, single submitter. Criteria: Invitae Variant Classification Sherloc (09022015). Collection method: clinical testing. Allele origin: germline.

Women's Health and Genetics/Laboratory Corporation of America, LabCorp
Classification: Benign. Last evaluated: 2025-11-14. Review status: criteria provided, single submitter. Criteria: LabCorp Variant Classification Summary - May 2015. Collection method: clinical testing. Allele origin: germline.

Mayo Clinic Laboratories, Mayo Clinic
Classification: Benign. Last evaluated: 2021-11-19. Review status: criteria provided, single submitter. Criteria: ACMG Guidelines, 2015. Collection method: clinical testing. Allele origin: germline. Observed: 245 variant alleles.

Genome-Nilou Lab
Classification: Benign for Methylmalonic acidemia with homocystinuria, type cblX. Last evaluated: 2021-08-10. Review status: criteria provided, single submitter. Criteria: ACMG Guidelines, 2015. Collection method: clinical testing. Allele origin: germline. Affected: no.

Eurofins Ntd Llc (ga)
Classification: Benign. Last evaluated: 2016-03-16. Review status: criteria provided, single submitter. Criteria: EGL Classification Definitions 2015. Collection method: clinical testing. Allele origin: germline. Observed: 3 variant alleles, 3 hemizygotes.

GeneDx
Classification: Benign. Last evaluated: 2015-12-02. Review status: criteria provided, single submitter. Criteria: GeneDx Variant Classification (06012015). Collection method: clinical testing. Allele origin: germline. Affected: yes.
Comment: This variant is considered likely benign or benign based on one or more of the following criteria: it is a conservative change, it occurs at a poorly conserved position in the protein, it is predicted to be benign by multiple in silico algorithms, and/or has population frequency not consistent with disease.

Breakthrough Genomics
Classification: Benign. Review status: criteria provided, single submitter. Criteria: ACMG Guidelines, 2015. Collection method: not provided. Allele origin: germline. Inheritance: X-linked inheritance. Affected: yes.

Genetic Services Laboratory, University of Chicago
Classification: Likely benign for AllHighlyPenetrant. Review status: no assertion criteria provided. Collection method: clinical testing. Allele origin: germline. Inheritance: X-linked inheritance. Not counted in ClinVar's aggregate classification.
Comment: Likely benign based on allele frequency in 1000 Genomes Project or ESP global frequency and its presence in a patient with a rare or unrelated disease phenotype. NOT Sanger confirmed.

NM_005334.3(HCFC1):c.4185G>A (p.Ala1395=)

Gene: HCFC1 (host cell factor C1; minus strand). Cytogenetic location: Xq28.
Variant type: single nucleotide variant.
Coding change: c.4185G>A on transcript NM_005334.3 (MANE Select); coding-DNA position 4185, G replaced by A.
Protein change: p.Ala1395=; no amino-acid change (alanine 1395 retained).
Molecular consequence: synonymous variant.
Genome position (GRCh38, 1-based): chrX:153,954,214, C>T on the plus strand (G>A on the coding strand, the complement: HCFC1 is on the minus strand). VCF-style: chrX-153954214-C-T. GRCh37 (hg19) VCF-style: chrX-153219665-C-T.
Other names: p.Ala1395=.
Identifiers: ClinVar variation 95280 (VCV000095280.23), dbSNP rs2071133, ClinGen allele CA148379.